The following is an entry in ClinVar:

ClinVar aggregate classification (germline): Uncertain significance (1 of 4 stars; one submission).

Conditions:
Emery-Dreifuss muscular dystrophy (EDMD). Also called: Scapuloperoneal syndrome, X-linked (formerly); Humeroperoneal neuromuscular disease, (formerly). Identifiers: Orphanet 261, MedGen C0410189, MONDO:0016830.

Submission:

Labcorp Genetics (formerly Invitae), Labcorp
Classification: Uncertain significance for Emery-Dreifuss muscular dystrophy. Last evaluated: 2025-12-24. Review status: criteria provided, single submitter. Criteria: Invitae Variant Classification Sherloc (09022015). Collection method: clinical testing. Allele origin: germline.
Comment: This sequence change replaces alanine, which is neutral and non-polar, with proline, which is neutral and non-polar, at codon 535 of the SUN2 protein (p.Ala535Pro). This variant is not present in population databases (gnomAD no frequency). This variant has not been reported in the literature in individuals affected with SUN2-related conditions. An algorithm developed to predict the effect of missense changes on protein structure and function (PolyPhen-2) suggests that this variant is likely to be disruptive. In summary, the available evidence is currently insufficient to determine the role of this variant in disease. Therefore, it has been classified as a Variant of Uncertain Significance.

NM_015374.3(SUN2):c.1603G>C (p.Ala535Pro)

Genes: GTPBP1 (GTP binding protein 1; plus strand), SUN2 (Sad1 and UNC84 domain containing 2; minus strand). Cytogenetic location: 22q13.1.
Variant type: single nucleotide variant.
Coding change: c.1603G>C on transcript NM_015374.3 (MANE Select); coding-DNA position 1603, G replaced by C.
Protein change: p.Ala535Pro; replaces alanine 535 with proline.
Molecular consequence: missense variant.
Genome position (GRCh38, 1-based): chr22:38,739,402, C>G on the plus strand (G>C on the coding strand, the complement: SUN2 is on the minus strand). VCF-style: chr22-38739402-C-G. GRCh37 (hg19) VCF-style: chr22-39135407-C-G.
Other names: c.1666G>C, p.Ala556Pro (NM_001199579.2, NM_001394428.1); c.1603G>C, p.Ala535Pro (NM_001199580.2, NM_001394431.1, NM_001394432.1 and 3 more transcripts); c.1696G>C, p.Ala566Pro (NM_001394427.1); c.1648G>C, p.Ala550Pro (NM_001394429.1, NM_001394430.1); c.1600G>C, p.Ala534Pro (NM_001394436.1, NM_001394437.1); c.1513G>C, p.Ala505Pro (NM_001394438.1); c.1465G>C, p.Ala489Pro (NM_001394439.1, NM_001394440.1, NM_001394441.1); c.1204G>C, p.Ala402Pro (NM_001394442.1); and 2 more; short protein forms A343P, A371P, A402P, A489P, A505P, A534P, A535P, A550P.
Identifiers: ClinVar variation 4798414 (VCV004798414.1).